The following is an entry in ClinVar:

NM_003001.5(SDHC):c.104A>C (p.Lys35Thr)

Gene: SDHC (succinate dehydrogenase complex subunit C; plus strand). Cytogenetic location: 1q23.3.
Variant type: single nucleotide variant.
Coding change: c.104A>C on transcript NM_003001.5 (MANE Select); coding-DNA position 104, A replaced by C.
Protein change: p.Lys35Thr; replaces lysine 35 with threonine.
Molecular consequence: missense variant. On other transcripts: 5 prime UTR variant (2), non-coding transcript variant (1), intron variant (4).
Genome position (GRCh38, 1-based): chr1:161,328,422, A>C. VCF-style: chr1-161328422-A-C. GRCh37 (hg19) VCF-style: chr1-161298212-A-C.
Other names: c.104A>C, p.Lys35Thr (NM_001035511.3, NM_001407115.1); c.47A>C, p.Lys16Thr (NM_001407116.1, NM_001407117.1, NM_001407121.1); c.-8A>C (NM_001407119.1, NM_001407120.1); c.77+4752A>C (NM_001035512.3, NM_001278172.3, NM_001407118.1); c.21-12172A>C (NM_001035513.3); short protein forms K35T, K16T.
Identifiers: ClinVar variation 1022581 (VCV001022581.10), dbSNP rs1342764291, ClinGen allele CA343360949.

ClinVar aggregate classification (germline): Uncertain significance (1 of 4 stars; one submission).

Conditions:
Gastrointestinal stromal tumor. Also called: Gastrointestinal stromal tumor, somatic; Gastrointestinal stroma tumor. Identifiers: Orphanet 44890, MedGen C0238198, MeSH D046152, MONDO:0011719, OMIM 606764, HP:0100723.
Pheochromocytoma/paraganglioma syndrome 3. Also called: GLOMUS TUMORS, FAMILIAL, 3; SDHC-Related Hereditary Paraganglioma-Pheochromocytoma Syndrome (Paragangliomas 3); Paragangliomas 3; SDHC-Related Hereditary Paraganglioma-Pheochromocytoma Syndrome. Identifiers: Orphanet 29072, MedGen C1854336, MONDO:0011544, OMIM 605373.

Submission:

Labcorp Genetics (formerly Invitae), Labcorp
Classification: Uncertain significance for Pheochromocytoma/paraganglioma syndrome 3; Gastrointestinal stromal tumor. Last evaluated: 2020-05-20. Review status: criteria provided, single submitter. Criteria: Invitae Variant Classification Sherloc (09022015). Collection method: clinical testing. Allele origin: germline.
Comment: This sequence change replaces lysine with threonine at codon 35 of the SDHC protein (p.Lys35Thr). The lysine residue is moderately conserved and there is a moderate physicochemical difference between lysine and threonine. This variant is not present in population databases (ExAC no frequency). This variant has not been reported in the literature in individuals with SDHC-related conditions. Algorithms developed to predict the effect of missense changes on protein structure and function are either unavailable or do not agree on the potential impact of this missense change (SIFT: "Tolerated"; PolyPhen-2: "Possibly Damaging"; Align-GVGD: "Class C0"). In summary, the available evidence is currently insufficient to determine the role of this variant in disease. Therefore, it has been classified as a Variant of Uncertain Significance.